The following is an entry in ClinVar:

ClinVar aggregate classification (germline): Pathogenic (1 of 4 stars; one submission).

Conditions:
Bloom syndrome (BLM). Also called: Bloom-Torre-Machacek syndrome. Identifiers: Orphanet 125, MedGen C0005859, MONDO:0008876, OMIM 210900.

Submission:

Labcorp Genetics (formerly Invitae), Labcorp
Classification: Pathogenic for Bloom syndrome. Last evaluated: 2018-06-12. Review status: criteria provided, single submitter. Criteria: Invitae Variant Classification Sherloc (09022015). Collection method: clinical testing. Allele origin: germline.
Comment: This sequence change creates a premature translational stop signal (p.Glu488*) in the BLM gene. It is expected to result in an absent or disrupted protein product. This variant is not present in population databases (ExAC no frequency). This variant has not been reported in the literature in individuals with BLM-related disease. Loss-of-function variants in BLM are known to be pathogenic (PMID: 17407155). For these reasons, this variant has been classified as Pathogenic.

Literature cited by the submitters: PubMed 17407155.

NM_000057.4(BLM):c.1462G>T (p.Glu488Ter)

Gene: BLM (BLM RecQ like helicase; plus strand). Cytogenetic location: 15q26.1.
Variant type: single nucleotide variant.
Coding change: c.1462G>T on transcript NM_000057.4 (MANE Select); coding-DNA position 1462, G replaced by T.
Protein change: p.Glu488Ter; replaces glutamic acid 488 with a stop codon.
Molecular consequence: nonsense.
Genome position (GRCh38, 1-based): chr15:90,760,835, G>T. VCF-style: chr15-90760835-G-T. GRCh37 (hg19) VCF-style: chr15-91304065-G-T.
Other names: c.1462G>T, p.Glu488Ter (NM_001287246.2, NM_001287247.2); c.337G>T, p.Glu113Ter (NM_001287248.2); short protein forms E488*, E113*.
Identifiers: ClinVar variation 577769 (VCV000577769.7), dbSNP rs1477193473, ClinGen allele CA393843110.